The following is an entry in ClinVar:

ClinVar aggregate classification (germline): Benign/Likely benign. Review status: criteria provided, multiple submitters, no conflicts (2 of 4 stars). 12 submissions from 9 submitters: Benign (8); Likely benign (4). Last evaluated 2026-09-01.

Conditions:
Cardiovascular phenotype. Identifiers: MedGen CN230736.
Early-onset myopathy with fatal cardiomyopathy (CMYO5). Also called: CONGENITAL MYOPATHY 5 WITH CARDIOMYOPATHY; Salih Myopathy. Identifiers: Orphanet 289377, MedGen C2673677, MONDO:0012714, OMIM 611705. Disease mechanism: loss of function.
Myopathy, myofibrillar, 9, with early respiratory failure (MFM9). Also called: Hereditary myopathy with early respiratory failure; Myopathy, distal, with early respiratory failure, autosomal dominant; EDSTROM MYOPATHY; MYOPATHY, PROXIMAL, WITH EARLY RESPIRATORY MUSCLE INVOLVEMENT. Identifiers: Orphanet 178464, Orphanet 34521, MedGen C1863599, MONDO:0011362, OMIM 603689.
Autosomal recessive limb-girdle muscular dystrophy type 2J (LGMDR10). Also called: Limb-girdle muscular dystrophy, type 2J; MUSCULAR DYSTROPHY, LIMB-GIRDLE, AUTOSOMAL RECESSIVE 10. Identifiers: Orphanet 140922, MedGen C1837342, MONDO:0012127, OMIM 608807.
Dilated cardiomyopathy 1G (CMD1G). Identifiers: Orphanet 154, MedGen C1858763, MONDO:0011400, OMIM 604145.
Tibial muscular dystrophy (TMD). Also called: Tibial muscular dystrophy, tardive; Udd Distal Myopathy – Tibial Muscular Dystrophy; UDD MYOPATHY. Identifiers: Orphanet 609, MedGen C1838244, MONDO:0010870, OMIM 600334.

Allele frequency attached by ClinVar (database versions not stated): TOPMed 0.00019; 1000 Genomes Project 0.00060; 1000 Genomes Project 30x 0.00094.
gnomAD v4.1: 179 of 1,612,210 alleles (0.011%); highest among the groups gnomAD compares: Admixed American, 0.3%; no homozygotes.

Submissions (12):

CeGaT Center for Human Genetics Tuebingen
Classification: Likely benign. Last evaluated: 2026-09-01. Review status: criteria provided, single submitter. Criteria: CeGaT Center For Human Genetics Tuebingen Variant Classification Criteria Version 2. Collection method: clinical testing. Allele origin: germline. Affected: yes. Observed: 6 variant alleles.
Comment: TTN: BP4, BP7

Women's Health and Genetics/Laboratory Corporation of America, LabCorp
Classification: Benign. Last evaluated: 2026-05-07. Review status: criteria provided, single submitter. Criteria: LabCorp Variant Classification Summary - May 2015. Collection method: clinical testing. Allele origin: germline.

Labcorp Genetics (formerly Invitae), Labcorp
Classification: Benign for Dilated cardiomyopathy 1G; Autosomal recessive limb-girdle muscular dystrophy type 2J. Last evaluated: 2026-01-27. Review status: criteria provided, single submitter. Criteria: Invitae Variant Classification Sherloc (09022015). Collection method: clinical testing. Allele origin: germline.

Athena Diagnostics
Classification: Benign. Last evaluated: 2024-07-05. Review status: criteria provided, single submitter. Criteria: Athena Diagnostics Criteria. Collection method: clinical testing. Allele origin: unknown.

Blueprint Genetics
Classification: Likely benign. Last evaluated: 2022-04-05. Review status: criteria provided, single submitter. Criteria: ACMG Guidelines, 2015. Collection method: clinical testing. Allele origin: germline.

Genome-Nilou Lab
Classification: Benign for Autosomal recessive limb-girdle muscular dystrophy type 2J. Last evaluated: 2021-09-10. Review status: criteria provided, single submitter. Criteria: ACMG Guidelines, 2015. Collection method: clinical testing. Allele origin: germline. Affected: no.

Genome-Nilou Lab
Classification: Benign for Myopathy, myofibrillar, 9, with early respiratory failure. Last evaluated: 2021-09-10. Review status: criteria provided, single submitter. Criteria: ACMG Guidelines, 2015. Collection method: clinical testing. Allele origin: germline. Affected: no.

Genome-Nilou Lab
Classification: Benign for Early-onset myopathy with fatal cardiomyopathy. Last evaluated: 2021-09-10. Review status: criteria provided, single submitter. Criteria: ACMG Guidelines, 2015. Collection method: clinical testing. Allele origin: germline. Affected: no.

Genome-Nilou Lab
Classification: Benign for Tibial muscular dystrophy. Last evaluated: 2021-09-10. Review status: criteria provided, single submitter. Criteria: ACMG Guidelines, 2015. Collection method: clinical testing. Allele origin: germline. Affected: no.

Ambry Genetics
Classification: Benign for Cardiovascular phenotype. Last evaluated: 2019-10-20. Review status: criteria provided, single submitter. Criteria: Ambry Variant Classification Scheme 2023. Collection method: clinical testing. Allele origin: germline.

GeneDx
Classification: Likely benign. Last evaluated: 2017-07-28. Review status: criteria provided, single submitter. Criteria: GeneDx Variant Classification (06012015). Collection method: clinical testing. Allele origin: germline. Affected: yes.
Comment: This variant is considered likely benign or benign based on one or more of the following criteria: it is a conservative change, it occurs at a poorly conserved position in the protein, it is predicted to be benign by multiple in silico algorithms, and/or has population frequency not consistent with disease.

Eurofins Ntd Llc (ga)
Classification: Likely benign. Last evaluated: 2016-12-04. Review status: criteria provided, single submitter. Criteria: EGL Classification Definitions 2015. Collection method: clinical testing. Allele origin: germline. Observed: 2 variant alleles, 2 heterozygotes.

NM_001267550.2(TTN):c.66576C>A (p.Leu22192=)

Genes: TTN (titin; minus strand), TTN-AS1 (TTN antisense RNA 1; plus strand). Cytogenetic location: 2q31.2.
Variant type: single nucleotide variant.
Coding change: c.66576C>A on transcript NM_001267550.2 (MANE Select); coding-DNA position 66576, C replaced by A.
Protein change: p.Leu22192=; no amino-acid change (leucine 22192 retained).
Molecular consequence: synonymous variant.
Genome position (GRCh38, 1-based): chr2:178,581,692, G>T on the plus strand (C>A on the coding strand, the complement: TTN is on the minus strand). VCF-style: chr2-178581692-G-T. GRCh37 (hg19) VCF-style: chr2-179446419-G-T.
Other names: c.61653C>A, p.Leu20551= (NM_001256850.1); c.39381C>A, p.Leu13127= (NM_003319.4); c.58872C>A, p.Leu19624= (NM_133378.4); c.39756C>A, p.Leu13252= (NM_133432.3); c.39957C>A, p.Leu13319= (NM_133437.4).
Identifiers: ClinVar variation 413045 (VCV000413045.28), dbSNP rs187378247, ClinGen allele CA1991478.